The following is an entry in ClinVar:

NM_005476.7(GNE):c.463C>T (p.His155Tyr)

Gene: GNE (glucosamine (UDP-N-acetyl)-2-epimerase/N-acetylmannosamine kinase; minus strand). Cytogenetic location: 9p13.3.
Variant type: single nucleotide variant.
Coding change: c.463C>T on transcript NM_005476.7 (MANE Select); coding-DNA position 463, C replaced by T.
Protein change: p.His155Tyr; replaces histidine 155 with tyrosine.
Molecular consequence: missense variant.
Genome position (GRCh38, 1-based): chr9:36,246,184, G>A on the plus strand (C>T on the coding strand, the complement: GNE is on the minus strand). VCF-style: chr9-36246184-G-A. GRCh37 (hg19) VCF-style: chr9-36246181-G-A.
Other names: c.556C>T, p.His186Tyr (NM_001128227.3); c.463C>T, p.His155Tyr (NM_001190383.3, NM_001374797.1); c.286C>T, p.His96Tyr (NM_001190384.3, NM_001190388.2, NM_001374798.1); short protein forms H155Y, H186Y, H96Y.
Identifiers: ClinVar variation 3572705 (VCV003572705.1).

ClinVar aggregate classification (germline): Uncertain significance (1 of 4 stars; one submission).

gnomAD v4.1: 1 of 1,614,212 alleles (0.000062%); highest among the groups gnomAD compares: Non-Finnish European, 0.000085%; no homozygotes.

Submission:

GeneDx
Classification: Uncertain significance. Last evaluated: 2024-07-11. Review status: criteria provided, single submitter. Criteria: GeneDx Variant Classification Process June 2021. Collection method: clinical testing. Allele origin: germline. Affected: yes.
Comment: Not observed at significant frequency in large population cohorts (gnomAD); In silico analysis supports that this missense variant has a deleterious effect on protein structure/function; Has not been previously published as pathogenic or benign to our knowledge; This variant is associated with the following publications: (PMID: 24796702)